The following is an entry in ClinVar:

NM_002299.4(LCT):c.5647G>A (p.Ala1883Thr)

Gene: LCT (lactase; minus strand). Cytogenetic location: 2q21.3.
Variant type: single nucleotide variant.
Coding change: c.5647G>A on transcript NM_002299.4 (MANE Select); coding-DNA position 5647, G replaced by A.
Protein change: p.Ala1883Thr; replaces alanine 1883 with threonine.
Molecular consequence: missense variant.
Genome position (GRCh38, 1-based): chr2:135,788,461, C>T on the plus strand (G>A on the coding strand, the complement: LCT is on the minus strand). VCF-style: chr2-135788461-C-T. GRCh37 (hg19) VCF-style: chr2-136546031-C-T.
Other names: short protein forms A1883T.
Identifiers: ClinVar variation 1387993 (VCV001387993.6), dbSNP rs2077509309, ClinGen allele CA348584567.

ClinVar aggregate classification (germline): Uncertain significance (1 of 4 stars; one submission).

Allele frequency attached by ClinVar (database versions not stated): TOPMed 0.00001.

Submission:

Labcorp Genetics (formerly Invitae), Labcorp
Classification: Uncertain significance. Last evaluated: 2023-03-23. Review status: criteria provided, single submitter. Criteria: Invitae Variant Classification Sherloc (09022015). Collection method: clinical testing. Allele origin: germline.
Comment: This variant is not present in population databases (gnomAD no frequency). This variant has not been reported in the literature in individuals affected with LCT-related conditions. ClinVar contains an entry for this variant (Variation ID: 1387993). Advanced modeling of protein sequence and biophysical properties (such as structural, functional, and spatial information, amino acid conservation, physicochemical variation, residue mobility, and thermodynamic stability) has been performed at Invitae for this missense variant, however the output from this modeling did not meet the statistical confidence thresholds required to predict the impact of this variant on LCT protein function. In summary, the available evidence is currently insufficient to determine the role of this variant in disease. Therefore, it has been classified as a Variant of Uncertain Significance. This sequence change replaces alanine with threonine at codon 1883 of the LCT protein (p.Ala1883Thr). The alanine residue is highly conserved and there is a small physicochemical difference between alanine and threonine.